The following is an entry in ClinVar:

ClinVar aggregate classification (germline): Pathogenic/Likely pathogenic. Review status: criteria provided, multiple submitters, no conflicts (2 of 4 stars). 2 submissions from 2 submitters: Pathogenic (1); Likely pathogenic (1). Last evaluated 2024-08-22.

Conditions:
Spongy degeneration of central nervous system. Also called: AMINOACYLASE 2 DEFICIENCY; ACY2 DEFICIENCY; ASP DEFICIENCY; ASPA DEFICIENCY; ASPARTOACYLASE DEFICIENCY; CANAVAN-VAN BOGAERT-BERTRAND DISEASE. Identifiers: Orphanet 141, MedGen C0206307, MONDO:0010079, OMIM 271900.

Submissions (2):

Natera, Inc.
Classification: Likely pathogenic for Canavan Disease. Last evaluated: 2024-08-22. Review status: criteria provided, single submitter. Criteria: Natera Variant Classification Schema (03/2026). Collection method: clinical testing. Allele origin: germline.
Comment: The c.532_533dup variant in ASPA is a frameshift variant predicted to shift the reading frame beginning at codon 179 and leads to a stop codon 10 codons downstream. This variant is expected to result in nonsense mediated decay, truncation, or a dysfunctional protein product. This variant is rare in the general population with a frequency below the threshold expected for the associated phenotype(s). Given the available evidence, this variant is classified as Likely Pathogenic.

Labcorp Genetics (formerly Invitae), Labcorp
Classification: Pathogenic for Spongy degeneration of central nervous system. Last evaluated: 2023-04-11. Review status: criteria provided, single submitter. Criteria: Invitae Variant Classification Sherloc (09022015). Collection method: clinical testing. Allele origin: germline.
Comment: This sequence change creates a premature translational stop signal (p.Val179Lysfs*10) in the ASPA gene. It is expected to result in an absent or disrupted protein product. Loss-of-function variants in ASPA are known to be pathogenic (PMID: 12638939). This variant is not present in population databases (gnomAD no frequency). This variant has not been reported in the literature in individuals affected with ASPA-related conditions. For these reasons, this variant has been classified as Pathogenic.

Literature cited by the submitters: PubMed 12638939 (cited by Labcorp Genetics (formerly Invitae), Labcorp).

NM_000049.4(ASPA):c.532_533dup (p.Val179fs)

Genes: ASPA (aspartoacylase; plus strand), SPATA22 (spermatogenesis associated 22; minus strand). Cytogenetic location: 17p13.2.
Variant type: Duplication.
Coding change: c.532_533dup on transcript NM_000049.4 (MANE Select); coding-DNA positions 532 to 533, 2 bases duplicated (GA; older notation c.532_533dupGA).
Protein change: p.Val179fs; shifts the reading frame from valine 179.
Molecular consequence: frameshift variant. On other transcripts: intron variant (2).
Genome position (GRCh38, 1-based): chr17:3,489,240-3,489,241, GA duplicated; duplicating any 2 consecutive bases within chr17:3,489,239-3,489,241 gives the same sequence; the c. name uses the placement nearest the transcript's 3' end. VCF-style (leftmost placement, unchanged base first): chr17-3489238-T-TAG. GRCh37 (hg19) VCF-style: chr17-3392532-T-TAG.
Other names: c.532_533dup, p.Val179fs (NM_001128085.1); c.-73-19842_-73-19841dup (NM_001321336.2, NM_001321337.2); short protein forms V179fs.
Identifiers: ClinVar variation 2855129 (VCV002855129.3), dbSNP rs2073779014, ClinGen allele CA2243888062.